The following is an entry in ClinVar:

NM_001199138.2(NLRC4):c.1270A>C (p.Thr424Pro)

Gene: NLRC4 (NLR family CARD domain containing 4; minus strand). Cytogenetic location: 2p22.3.
Variant type: single nucleotide variant.
Coding change: c.1270A>C on transcript NM_001199138.2 (MANE Select); coding-DNA position 1270, A replaced by C.
Protein change: p.Thr424Pro; replaces threonine 424 with proline.
Molecular consequence: missense variant. On other transcripts: intron variant (1).
Genome position (GRCh38, 1-based): chr2:32,250,594, T>G on the plus strand (A>C on the coding strand, the complement: NLRC4 is on the minus strand). VCF-style: chr2-32250594-T-G. GRCh37 (hg19) VCF-style: chr2-32475663-T-G.
Other names: c.1270A>C, p.Thr424Pro (NM_001199139.2, NM_021209.5); c.262+1825A>C (NM_001302504.1); short protein forms T424P.
Identifiers: ClinVar variation 2065830 (VCV002065830.4), dbSNP rs573445459, ClinGen allele CA1602013.

ClinVar aggregate classification (germline): Uncertain significance (1 of 4 stars; one submission).

Conditions:
Periodic fever-infantile enterocolitis-autoinflammatory syndrome. Also called: Autoinflammation with infantile enterocolitis. Identifiers: Orphanet 436166, MedGen C4015067, MONDO:0014472, OMIM 616050.
Familial cold autoinflammatory syndrome 4 (FCAS4). Identifiers: Orphanet 47045, Orphanet 576349, MedGen C4015276, MONDO:0014498, OMIM 616115.

Allele frequency attached by ClinVar (database versions not stated): gnomAD exomes below 0.00001; TOPMed 0.00002; 1000 Genomes Project 0.00040; gnomAD 0.00004; ExAC 0.00002; 1000 Genomes Project 30x 0.00047.
gnomAD v4.1: 8 of 1,614,168 alleles (0.0005%); highest among the groups gnomAD compares: African/African-American, 0.0067%; no homozygotes.

Submission:

Labcorp Genetics (formerly Invitae), Labcorp
Classification: Uncertain significance for Periodic fever-infantile enterocolitis-autoinflammatory syndrome; Familial cold autoinflammatory syndrome 4. Last evaluated: 2025-02-20. Review status: criteria provided, single submitter. Criteria: Invitae Variant Classification Sherloc (09022015). Collection method: clinical testing. Allele origin: germline.
Comment: This sequence change replaces threonine, which is neutral and polar, with proline, which is neutral and non-polar, at codon 424 of the NLRC4 protein (p.Thr424Pro). This variant is present in population databases (rs573445459, gnomAD 0.02%). This variant has not been reported in the literature in individuals affected with NLRC4-related conditions. ClinVar contains an entry for this variant (Variation ID: 2065830). Invitae Evidence Modeling of protein sequence and biophysical properties (such as structural, functional, and spatial information, amino acid conservation, physicochemical variation, residue mobility, and thermodynamic stability) indicates that this missense variant is not expected to disrupt NLRC4 protein function with a negative predictive value of 80%. In summary, the available evidence is currently insufficient to determine the role of this variant in disease. Therefore, it has been classified as a Variant of Uncertain Significance.